The following is an entry in ClinVar:

ClinVar aggregate classification (germline): Likely benign. Review status: criteria provided, multiple submitters, no conflicts (2 of 4 stars). 4 submissions from 4 submitters: Likely benign (4). Last evaluated 2026-01-11.

Conditions:
Spastic paraplegia. Identifiers: HP:0007216, MedGen C0037772.
Hereditary spastic paraplegia 13 (SPG13). Also called: SPASTIC PARAPLEGIA 13, AUTOSOMAL DOMINANT; Spastic paraplegia 13. Identifiers: Orphanet 100994, MedGen C1854467, MONDO:0011532, OMIM 605280.

Allele frequency attached by ClinVar (database versions not stated): ExAC 0.00008; ESP Exome Variant Server 0.00015; gnomAD exomes 0.00020 and 0.00052; gnomAD 0.00022 and 0.00024; TOPMed 0.00022.
gnomAD v4.1: 776 of 1,612,768 alleles (0.048%); highest among the groups gnomAD compares: Non-Finnish European, 0.064%; no homozygotes.

Submissions (4):

Labcorp Genetics (formerly Invitae), Labcorp
Classification: Likely benign for Spastic paraplegia. Last evaluated: 2026-01-11. Review status: criteria provided, single submitter. Criteria: Invitae Variant Classification Sherloc (09022015). Collection method: clinical testing. Allele origin: germline.

Blueprint Genetics
Classification: Likely benign. Last evaluated: 2024-07-23. Review status: criteria provided, single submitter. Criteria: ACMG Guidelines, 2015. Collection method: clinical testing. Allele origin: germline.

Illumina Laboratory Services, Illumina
Classification: Likely benign for Hereditary spastic paraplegia 13. Last evaluated: 2017-04-27. Review status: criteria provided, single submitter. Criteria: ICSL Variant Classification Criteria 13 December 2019. Collection method: clinical testing. Allele origin: germline.
Comment: This variant was observed as part of a predisposition screen in an ostensibly healthy population. A literature search was performed for the gene, cDNA change, and amino acid change (where applicable). Publications were found based on this search. The evidence from the literature, in combination with allele frequency data from public databases where available, was sufficient to determine this variant is unlikely to cause disease. Therefore, this variant is classified as likely benign.

GeneDx
Classification: Likely benign. Last evaluated: 2016-02-22. Review status: criteria provided, single submitter. Criteria: GeneDx Variant Classification (06012015). Collection method: clinical testing. Allele origin: germline. Affected: yes.
Comment: This variant is considered likely benign or benign based on one or more of the following criteria: it is a conservative change, it occurs at a poorly conserved position in the protein, it is predicted to be benign by multiple in silico algorithms, and/or has population frequency not consistent with disease.

Literature cited by the submitters: PubMed 17420924 (cited by Illumina Laboratory Services, Illumina).

NM_002156.5(HSPD1):c.732T>G (p.Val244=)

Gene: HSPD1 (heat shock protein family D (Hsp60) member 1; minus strand). Cytogenetic location: 2q33.1.
Variant type: single nucleotide variant.
Coding change: c.732T>G on transcript NM_002156.5 (MANE Select); coding-DNA position 732, T replaced by G.
Protein change: p.Val244=; no amino-acid change (valine 244 retained).
Molecular consequence: synonymous variant.
Genome position (GRCh38, 1-based): chr2:197,493,461, A>C on the plus strand (T>G on the coding strand, the complement: HSPD1 is on the minus strand). VCF-style: chr2-197493461-A-C. GRCh37 (hg19) VCF-style: chr2-198358185-A-C.
Other names: c.732T>G, p.Val244= (NM_199440.2).
Identifiers: ClinVar variation 377970 (VCV000377970.15), dbSNP rs142108846, ClinGen allele CA2043510.